The following is an entry in ClinVar:

ClinVar aggregate classification (germline): Uncertain significance (1 of 4 stars; one submission).

Conditions:
Joubert syndrome. Also called: CEREBELLOPARENCHYMAL DISORDER IV; JOUBERT-BOLTSHAUSER SYNDROME; Familial aplasia of the vermis. Identifiers: Orphanet 475, MedGen C5979921, MONDO:0018772.
Nephronophthisis. Also called: Juvenile Nephronophthisis. Identifiers: Orphanet 655, MedGen C0687120, MONDO:0019005, HP:0000090.
Meckel-Gruber syndrome. Also called: DYSENCEPHALIA SPLANCHNOCYSTICA; GRUBER SYNDROME; Dysencephalia splachnocystica. Identifiers: Orphanet 564, MedGen C0265215, MONDO:0018921.

Allele frequency attached by ClinVar (database versions not stated): gnomAD exomes below 0.00001; TOPMed 0.00001.
gnomAD v4.1: 2 of 1,608,054 alleles (0.00012%); highest among the groups gnomAD compares: African/African-American, 0.0027%; no homozygotes.

Submission:

Labcorp Genetics (formerly Invitae), Labcorp
Classification: Uncertain significance for Joubert syndrome; Meckel-Gruber syndrome; Nephronophthisis. Last evaluated: 2022-07-06. Review status: criteria provided, single submitter. Criteria: Invitae Variant Classification Sherloc (09022015). Collection method: clinical testing. Allele origin: germline.
Comment: This sequence change replaces lysine, which is basic and polar, with threonine, which is neutral and polar, at codon 1154 of the CEP290 protein (p.Lys1154Thr). This variant is not present in population databases (gnomAD no frequency). This variant has not been reported in the literature in individuals affected with CEP290-related conditions. ClinVar contains an entry for this variant (Variation ID: 1381556). Algorithms developed to predict the effect of missense changes on protein structure and function are either unavailable or do not agree on the potential impact of this missense change (SIFT: "Deleterious"; PolyPhen-2: "Probably Damaging"; Align-GVGD: "Class C0"). In summary, the available evidence is currently insufficient to determine the role of this variant in disease. Therefore, it has been classified as a Variant of Uncertain Significance.

NM_025114.4(CEP290):c.3461A>C (p.Lys1154Thr)

Gene: CEP290 (centrosomal protein 290; minus strand). Cytogenetic location: 12q21.32.
Variant type: single nucleotide variant.
Coding change: c.3461A>C on transcript NM_025114.4 (MANE Select); coding-DNA position 3461, A replaced by C.
Protein change: p.Lys1154Thr; replaces lysine 1154 with threonine.
Molecular consequence: missense variant.
Genome position (GRCh38, 1-based): chr12:88,092,681, T>G on the plus strand (A>C on the coding strand, the complement: CEP290 is on the minus strand). VCF-style: chr12-88092681-T-G. GRCh37 (hg19) VCF-style: chr12-88486458-T-G.
Other names: short protein forms K1154T.
Identifiers: ClinVar variation 1381556 (VCV001381556.5), dbSNP rs1050202680, ClinGen allele CA241167586.